The following is an entry in ClinVar:

NM_007317.3(KIF22):c.1905A>C (p.Glu635Asp)

Gene: KIF22 (kinesin family member 22; plus strand). Cytogenetic location: 16p11.2.
Variant type: single nucleotide variant.
Coding change: c.1905A>C on transcript NM_007317.3 (MANE Select); coding-DNA position 1905, A replaced by C.
Protein change: p.Glu635Asp; replaces glutamic acid 635 with aspartic acid.
Molecular consequence: missense variant.
Genome position (GRCh38, 1-based): chr16:29,805,129, A>C. VCF-style: chr16-29805129-A-C. GRCh37 (hg19) VCF-style: chr16-29816450-A-C.
Other names: c.1701A>C, p.Glu567Asp (NM_001256269.2, NM_001256270.1); short protein forms E567D, E635D.
Identifiers: ClinVar variation 2104228 (VCV002104228.26), dbSNP rs1195346180, ClinGen allele CA395463089.
Genomic context (GRCh38, chr16:29,805,129, plus strand): 5'-CCGGGTACCCCCGAGACCCTGTCCCCTATCGATCCTGTCCCGCCAGGTGGAGGACCTGGA[A>C]CGCGTGGAGGGCATAACGGGGAAACAGATGGAGTCCTTCCTGAAGGTGAAGTCACGGCCC-3'
Protein context (NP_015556.1, residues 625-645): HGPFSQVEDL[Glu635Asp]RVEGITGKQM

ClinVar aggregate classification (germline): Uncertain significance. Review status: criteria provided, multiple submitters, no conflicts (2 of 4 stars). 2 submissions from 2 submitters: Uncertain significance (2). Last evaluated 2024-12-19.

Allele frequency attached by ClinVar (database versions not stated): gnomAD exomes 0.00001.
gnomAD v4.1: 9 of 1,613,582 alleles (0.00056%); highest among the groups gnomAD compares: Non-Finnish European, 0.00076%; no homozygotes.

Submissions (2):

Labcorp Genetics (formerly Invitae), Labcorp
Classification: Uncertain significance. Last evaluated: 2024-12-19. Review status: criteria provided, single submitter. Criteria: Invitae Variant Classification Sherloc (09022015). Collection method: clinical testing. Allele origin: germline.
Comment: This sequence change replaces glutamic acid, which is acidic and polar, with aspartic acid, which is acidic and polar, at codon 635 of the KIF22 protein (p.Glu635Asp). This variant is present in population databases (no rsID available, gnomAD 0.0009%). This variant has not been reported in the literature in individuals affected with KIF22-related conditions. ClinVar contains an entry for this variant (Variation ID: 2104228). An algorithm developed to predict the effect of missense changes on protein structure and function (PolyPhen-2) suggests that this variant is likely to be disruptive. In summary, the available evidence is currently insufficient to determine the role of this variant in disease. Therefore, it has been classified as a Variant of Uncertain Significance.

CeGaT Center for Human Genetics Tuebingen
Classification: Uncertain significance. Last evaluated: 2024-02-01. Review status: criteria provided, single submitter. Criteria: CeGaT Center For Human Genetics Tuebingen Variant Classification Criteria Version 2. Collection method: clinical testing. Allele origin: germline. Affected: yes. Observed: 1 variant allele.
Comment: KIF22: PM2:Supporting, BP4